The following is an entry in ClinVar:

ClinVar aggregate classification (germline): Uncertain significance (1 of 4 stars; one submission).

Conditions:
Emery-Dreifuss muscular dystrophy 5, autosomal dominant (EDMD5). Also called: EMERY-DREIFUSS MUSCULAR DYSTROPHY 5. Identifiers: Orphanet 261, MedGen C2751805, MONDO:0013072, OMIM 612999.

Submission:

Centre for Mendelian Genomics, University Medical Centre Ljubljana
Classification: Uncertain significance for Emery-Dreifuss muscular dystrophy 5, autosomal dominant. Last evaluated: 2020-01-27. Review status: criteria provided, single submitter. Criteria: ACMG Guidelines, 2015. Collection method: clinical testing. Allele origin: unknown. Affected: yes.
Comment: This variant was classified as: Uncertain significance. The available evidence on this variant's pathogenicity is insufficient or conflicting. The following ACMG criteria were applied in classifying this variant: PM2,BP4.

NM_182914.3(SYNE2):c.4959C>A (p.Asn1653Lys)

Gene: SYNE2 (spectrin repeat containing nuclear envelope protein 2; plus strand). Cytogenetic location: 14q23.2.
Variant type: single nucleotide variant.
Coding change: c.4959C>A on transcript NM_182914.3 (MANE Select); coding-DNA position 4959, C replaced by A.
Protein change: p.Asn1653Lys; replaces asparagine 1653 with lysine.
Molecular consequence: missense variant.
Genome position (GRCh38, 1-based): chr14:64,017,666, C>A. VCF-style: chr14-64017666-C-A. GRCh37 (hg19) VCF-style: chr14-64484384-C-A.
Other names: c.4959C>A, p.Asn1653Lys (NM_015180.6); short protein forms N1653K.
Identifiers: ClinVar variation 930669 (VCV000930669.3), dbSNP rs2096903791, ClinGen allele CA389938239.